The following is an entry in ClinVar:

NM_016233.2(PADI3):c.335T>A (p.Leu112His)

Gene: PADI3 (peptidyl arginine deiminase 3; plus strand). Cytogenetic location: 1p36.13.
Variant type: single nucleotide variant.
Coding change: c.335T>A on transcript NM_016233.2 (MANE Select); coding-DNA position 335, T replaced by A.
Protein change: p.Leu112His; replaces leucine 112 with histidine.
Molecular consequence: missense variant.
Genome position (GRCh38, 1-based): chr1:17,262,194, T>A. VCF-style: chr1-17262194-T-A. GRCh37 (hg19) VCF-style: chr1-17588689-T-A.
Other names: short protein forms L112H.
Identifiers: ClinVar variation 374868 (VCV000374868.58), dbSNP rs142129409, ClinGen allele CA639649.
Genomic context (GRCh38, chr1:17,262,194, plus strand): 5'-TTCAGATTTCCTACCACTCCAGCCATGAGCCTCTGCCCCTGGCCTATGCGGTGCTCTACC[T>A]CACCTGTGTTGGTAAGTTGGGGGCCATGTTGATGGTGTGGCCAAGGGCACATTTGAAAAA-3'
Protein context (NP_057317.2, residues 102-122): PLPLAYAVLY[Leu112His]TCVDISLDCD

ClinVar aggregate classification (germline): Pathogenic/Likely pathogenic. Review status: criteria provided, multiple submitters, no conflicts (2 of 4 stars). 18 submissions from 18 submitters: Pathogenic (8); Likely pathogenic (4). 6 of the submissions do not count toward it. Last evaluated 2026-09-21.

Conditions:
Uncombable hair syndrome 1 (UHS1). Identifiers: Orphanet 1410, MedGen C4551573, MONDO:0020736, OMIM 191480.
PADI3-related disorder. Also called: PADI3-related condition.
Inborn genetic diseases. Identifiers: MedGen C0950123, MeSH D030342.

Allele frequency attached by ClinVar (database versions not stated): 1000 Genomes Project 30x 0.00250; gnomAD 0.00502 and 0.00490; ESP Exome Variant Server 0.00523; TOPMed 0.00540; gnomAD exomes 0.00455 and 0.00723; 1000 Genomes Project 0.00240; ExAC 0.00412.
gnomAD v4.1: 11,245 of 1,608,134 alleles (0.7%); highest among the groups gnomAD compares: Non-Finnish European, 0.84%; 41 homozygotes.

Submissions (18):

PreventionGenetics, part of Exact Sciences
Classification: Pathogenic for PADI3-related condition. Last evaluated: 2026-09-21. Review status: criteria provided, single submitter. Criteria: ACMG Guidelines, 2015. Collection method: clinical testing. Allele origin: germline.
Comment: The PADI3 c.335T>A variant is predicted to result in the amino acid substitution p.Leu112His. This variant has been reported in the homozygous and compound heterozygous states as causative for autosomal recessive uncombable hair syndrome in several unrelated patients (see for example: Basmanav et al. 2016. PubMed ID: 27866708; OMIM #191480). This variant is reported in 0.70% of alleles in individuals of European (Non-Finnish) descent in gnomAD. In summary, we classify this variant as pathogenic.

GeneDx
Classification: Pathogenic. Last evaluated: 2025-11-29. Review status: criteria provided, single submitter. Criteria: GeneDx Variant Classification Process June 2021. Collection method: clinical testing. Allele origin: germline. Affected: yes.
Comment: Published functional studies demonstrate a damaging effect; specifically, the L112H variant is associated with absent enzyme activity and abnormal enzyme aggregation (PMID: 27866708); In silico analysis supports that this missense variant has a deleterious effect on protein structure/function; This variant is associated with the following publications: (PMID: 31952341, 27866708, 34426522, 34297361, 35751533, 36044230, 36541401, 36920900, 39394929, 39408606)

Ambry Genetics
Classification: Pathogenic for Inborn genetic diseases. Last evaluated: 2025-10-24. Review status: criteria provided, single submitter. Criteria: Ambry Variant Classification Scheme 2023. Collection method: clinical testing. Allele origin: germline.
Comment: The c.335T>A (p.L112H) alteration is located in exon 3 (coding exon 3) of the PADI3 gene. This alteration results from a T to A substitution at nucleotide position 335, causing the leucine (L) at amino acid position 112 to be replaced by a histidine (H). Based on data from gnomAD, the A allele has an overall frequency of 0.452% (1244/275038) total alleles studied. The highest observed frequency was 0.699% (887/126972) of European (non-Finnish) alleles. This variant has been identified in the homozygous state and/or in conjunction with other PADI3 variant(s) in individual(s) with features consistent with PADI3-related uncombable hair syndrome (&Uuml; Basmanav, 2016; Basmanav, 2022; Breet, 2023) . This amino acid position is highly conserved in available vertebrate species. The in silico prediction for this alteration is inconclusive. Based on the available evidence, this alteration is classified as pathogenic.

Institute of Human Genetics, University of Leipzig Medical Center
Classification: Pathogenic for Uncombable hair syndrome 1. Last evaluated: 2025-10-22. Review status: criteria provided, single submitter. Criteria: ACMG Guidelines, 2015. Collection method: clinical testing. Allele origin: unknown. Inheritance: Autosomal recessive inheritance. Affected: yes.
Comment: Criteria applied: PM2,PM3,PS3

Variantyx, Inc.
Classification: Likely pathogenic for Uncombable hair syndrome 1. Last evaluated: 2025-03-17. Review status: criteria provided, single submitter. Criteria: Variantyx Assertion Criteria 2022. Collection method: clinical testing. Allele origin: germline. Inheritance: Autosomal recessive inheritance.
Comment: This is a nonsynonymous variant in the PADI3 gene (OMIM: 606755). Pathogenic variants in this gene have been associated with autosomal recessive uncombable hair syndrome. Functional studies have shown that this variant alters PADI3 protein function (PMID: 27866708) (PS3_Moderate), while computational algorithms produce conflicting evidence regarding the predicted functional impact of this variant (REVEL score: 0.454). This variant has a 0.8406% maximum allele frequency in non-founder control populations. Based on the current evidence, this variant is classified as pathogenic for autosomal recessive uncombable hair syndrome.

Blueprint Genetics
Classification: Pathogenic for PADI3-related disorders. Last evaluated: 2024-11-22. Review status: criteria provided, single submitter. Criteria: ACMG Guidelines, 2015. Collection method: clinical testing. Allele origin: de novo. Affected: yes. Observed: 5 variant alleles.

Genomic Medicine Center of Excellence, King Faisal Specialist Hospital and Research Centre
Classification: Likely pathogenic for Uncombable hair syndrome 1. Last evaluated: 2024-03-26. Review status: criteria provided, single submitter. Criteria: ACMG Guidelines, 2015. Collection method: clinical testing. Allele origin: germline.

CeGaT Center for Human Genetics Tuebingen
Classification: Likely pathogenic. Last evaluated: 2023-10-01. Review status: criteria provided, single submitter. Criteria: CeGaT Center For Human Genetics Tuebingen Variant Classification Criteria Version 2. Collection method: clinical testing. Allele origin: germline. Affected: yes. Observed: 3 variant alleles.
Comment: PADI3: PM3:Very Strong, PM2:Supporting

Greenwood Genetic Center Diagnostic Laboratories, Greenwood Genetic Center
Classification: Pathogenic for Uncombable hair syndrome 1. Last evaluated: 2023-09-25. Review status: criteria provided, single submitter. Criteria: ACMG Guidelines, 2015. Collection method: clinical testing. Allele origin: germline. Affected: yes.
Comment: PS3, PM3_Strong, PP3

Department of Pathology and Laboratory Medicine, Sinai Health System
Classification: Likely pathogenic for Uncombable hair syndrome 1. Last evaluated: 2023-02-06. Review status: criteria provided, single submitter. Criteria: ACMG Guidelines, 2015. Collection method: research. Allele origin: germline.

Mendelics
Classification: Pathogenic for Uncombable hair syndrome 1. Last evaluated: 2022-05-04. Review status: criteria provided, single submitter. Criteria: Mendelics Assertion Criteria 2019. Collection method: clinical testing. Allele origin: germline.

Genetics and Molecular Pathology, SA Pathology
Classification: Pathogenic for Uncombable hair syndrome 1. Last evaluated: 2021-05-31. Review status: criteria provided, single submitter. Criteria: ACMG Guidelines, 2015. Collection method: clinical testing. Allele origin: germline. Affected: yes.

Reproductive Health Research and Development, BGI Genomics
Classification: Pathogenic for Uncombable hair syndrome. Last evaluated: 2020-01-06. Review status: no assertion criteria provided. Collection method: curation. Allele origin: germline. Not counted in ClinVar's aggregate classification.
Comment: NM_016233.2:c.335T>A in the PADI3 gene has an allele frequency of 0.007 in European(non-Finnish) subpopulation in the gnomAD database. Functional studies demonstrate that c.335T>A has affected transglutaminase activity of TGM3 produced in HEK293T cells (PMID: 27866708). It was detected in multiple individuals with autosomal recessive Uncombable hair syndrome, homozygous c.335T>A, compound heterozygous with c.1813C>A, and c.881C>T, respectively (PMID: 27866708). The patient's phenotype is highly specific for PADI3 gene(PMID:27866708). Pathogenic computational verdict because pathogenic predictions from DANN, EIGEN, FATHMM-MKL, M-CAP, MutationAssessor. Taken together, we interprete this variant as Pathogenic/Likely pathogenic variant. ACMG/AMP criteria applied: PS3; PM3_Strong; PP4; PP3.

OMIM
Classification: Pathogenic for UNCOMBABLE HAIR SYNDROME 1. Last evaluated: 2019-03-07. Review status: no assertion criteria provided. Collection method: literature only. Allele origin: germline. Not counted in ClinVar's aggregate classification.

Clinical Genetics DNA and cytogenetics Diagnostics Lab, Erasmus MC, Erasmus Medical Center
Classification: Likely pathogenic. Review status: no assertion criteria provided. Collection method: clinical testing. Allele origin: germline. Affected: yes. Study: VKGL Data-share Consensus. Not counted in ClinVar's aggregate classification.

Diagnostic Laboratory, Department of Genetics, University Medical Center Groningen
Classification: Likely pathogenic. Review status: no assertion criteria provided. Collection method: clinical testing. Allele origin: germline. Affected: yes. Study: VKGL Data-share Consensus. Not counted in ClinVar's aggregate classification.

Joint Genome Diagnostic Labs from Nijmegen and Maastricht, Radboudumc and MUMC+
Classification: Likely pathogenic. Review status: no assertion criteria provided. Collection method: clinical testing. Allele origin: germline. Affected: yes. Study: VKGL Data-share Consensus. Not counted in ClinVar's aggregate classification.

Laboratory of Diagnostic Genome Analysis, Leiden University Medical Center (LUMC)
Classification: Pathogenic. Review status: no assertion criteria provided. Collection method: clinical testing. Allele origin: germline. Affected: yes. Study: VKGL Data-share Consensus. Not counted in ClinVar's aggregate classification.

Literature cited by the submitters: PubMed 27866708 (cited by 3 submitters); PubMed 36044230 (cited by Ambry Genetics and Variantyx, Inc.); PubMed 36541401 (cited by Ambry Genetics and Variantyx, Inc.).